The following is an entry in ClinVar:

NM_001079872.2(CUL4B):c.83C>T (p.Thr28Ile)

Genes: CUL4B (cullin 4B; minus strand), LOC113845788 (Sharpr-MPRA regulatory region 11856; plus strand). Cytogenetic location: Xq24.
Variant type: single nucleotide variant.
Coding change: c.83C>T on transcript NM_001079872.2 (MANE Select); coding-DNA position 83, C replaced by T.
Protein change: p.Thr28Ile; replaces threonine 28 with isoleucine.
Molecular consequence: missense variant.
Genome position (GRCh38, 1-based): chrX:120,560,556, G>A on the plus strand (C>T on the coding strand, the complement: CUL4B is on the minus strand). VCF-style: chrX-120560556-G-A. GRCh37 (hg19) VCF-style: chrX-119694411-G-A.
Other names: c.98C>T, p.Thr33Ile (NM_001330624.2); c.137C>T, p.Thr46Ile (NM_003588.4); short protein forms T28I, T46I, T33I.
Identifiers: ClinVar variation 4998117 (VCV004998117.1).

ClinVar aggregate classification (germline): Uncertain significance (1 of 4 stars; one submission).

Conditions:
CUL4B-related disorder. Also called: CUL4B-related condition.

gnomAD v4.1: 1 of 1,208,951 alleles (0.000083%); highest among the groups gnomAD compares: South Asian, 0.0018%; no homozygotes.

Submission:

PreventionGenetics, part of Exact Sciences
Classification: Uncertain significance for CUL4B-related condition. Last evaluated: 2024-11-04. Review status: criteria provided, single submitter. Criteria: ACMG Guidelines, 2015. Collection method: clinical testing. Allele origin: germline.
Comment: The CUL4B c.137C>T variant is predicted to result in the amino acid substitution p.Thr46Ile. To our knowledge, this variant has not been reported in the literature. This variant is reported in 0.0055% of alleles in individuals of South Asian descent in gnomAD. At this time, the clinical significance of this variant is uncertain due to the absence of conclusive functional and genetic evidence.